The following is an entry in ClinVar:

NM_022552.5(DNMT3A):c.2504C>G (p.Thr835Arg)

Gene: DNMT3A (DNA methyltransferase 3 alpha; minus strand). Cytogenetic location: 2p23.3.
Variant type: single nucleotide variant.
Coding change: c.2504C>G on transcript NM_022552.5 (MANE Select); coding-DNA position 2504, C replaced by G.
Protein change: p.Thr835Arg; replaces threonine 835 with arginine.
Molecular consequence: missense variant. On other transcripts: non-coding transcript variant (1).
Genome position (GRCh38, 1-based): chr2:25,235,800, G>C on the plus strand (C>G on the coding strand, the complement: DNMT3A is on the minus strand). VCF-style: chr2-25235800-G-C. GRCh37 (hg19) VCF-style: chr2-25458669-G-C.
Other names: c.2048C>G, p.Thr683Arg (NM_001320893.1); c.1835C>G, p.Thr612Arg (NM_001375819.1); c.1937C>G, p.Thr646Arg (NM_153759.3); c.2504C>G, p.Thr835Arg (NM_175629.2); short protein forms T683R, T612R, T835R, T646R.
Identifiers: ClinVar variation 3504223 (VCV003504223.1).

ClinVar aggregate classification (germline): Uncertain significance (1 of 4 stars; one submission).

Conditions:
Inborn genetic diseases. Identifiers: MedGen C0950123, MeSH D030342.

Submission:

Ambry Genetics
Classification: Uncertain significance for Inborn genetic diseases. Last evaluated: 2024-10-17. Review status: criteria provided, single submitter. Criteria: Ambry Variant Classification Scheme 2023. Collection method: clinical testing. Allele origin: germline.
Comment: The p.T835R variant (also known as c.2504C>G), located in coding exon 21 of the DNMT3A gene, results from a C to G substitution at nucleotide position 2504. The threonine at codon 835 is replaced by arginine, an amino acid with similar properties. This amino acid position is conserved. In addition, this alteration is predicted to be deleterious by in silico analysis. Based on the available evidence, the clinical significance of this variant remains unclear.